The following is an entry in ClinVar:

NM_030948.6(PHACTR1):c.994C>T (p.Gln332Ter)

Gene: PHACTR1 (phosphatase and actin regulator 1; plus strand). Cytogenetic location: 6p24.1.
Variant type: single nucleotide variant.
Coding change: c.994C>T on transcript NM_030948.6 (MANE Select); coding-DNA position 994, C replaced by T.
Protein change: p.Gln332Ter; replaces glutamine 332 with a stop codon.
Molecular consequence: nonsense.
Genome position (GRCh38, 1-based): chr6:13,227,823, C>T. VCF-style: chr6-13227823-C-T. GRCh37 (hg19) VCF-style: chr6-13228055-C-T.
Other names: c.994C>T, p.Gln332Ter (NM_001242648.4, NM_001322308.3, NM_001322309.3 and 1 more transcripts); c.1201C>T, p.Gln401Ter (NM_001322310.2, NM_001374582.1); c.718C>T, p.Gln240Ter (NM_001322311.2, NM_001322312.3, NM_001374583.2); c.925C>T, p.Gln309Ter (NM_001322313.2); c.1204C>T, p.Gln402Ter (NM_001322314.4); short protein forms Q240*, Q309*, Q332*, Q401*, Q402*.
Identifiers: ClinVar variation 3906774 (VCV003906774.1).

ClinVar aggregate classification (germline): Uncertain significance (1 of 4 stars; one submission).

Submission:

GeneDx
Classification: Uncertain significance. Last evaluated: 2024-12-17. Review status: criteria provided, single submitter. Criteria: GeneDx Variant Classification Process June 2021. Collection method: clinical testing. Allele origin: germline. Affected: yes.
Comment: Nonsense variant predicted to result in protein truncation or nonsense mediated decay in a gene for which loss-of-function is not an established mechanism of disease; Not observed at significant frequency in large population cohorts (gnomAD); Has not been previously published as pathogenic or benign to our knowledge